The following is an entry in ClinVar:

ClinVar aggregate classification (germline): Uncertain significance (1 of 4 stars; one submission).

Submission:

Women's Health and Genetics/Laboratory Corporation of America, LabCorp
Classification: Uncertain significance. Last evaluated: 2017-02-27. Review status: criteria provided, single submitter. Criteria: LabCorp Variant Classification Summary - May 2015. Collection method: clinical testing. Allele origin: germline.
Comment: Variant summary: The HBB c.70G>C (p.Val24Leu) variant causes a missense change involving the alteration of a non-conserved nucleotide. 4/4 in silico tools predict a benign outcome for this variant (SNPs&GO not captured due to low reliability index). The variant is absent from control datasets of ExAC and gnomAD (121364 and 246060 chrs tested, respectively). The variant of interest has not, to our knowledge, been reported in affected individuals via publications and/or cited by clinical diagnostic laboratories, nor was it evaluated for functional impact by in vivo/vitro studies. The Val24 codon appears to be a mutation hot-spot, as other alterations, such as p.Val24Ala, p.Val24Asp, p.Val24Ile, p.Val24Phe and p.Val24Gly, have been reported in publications as causative in association with hemoglobinopathies. Due to the lack of clinical information and absence of functional studies, the variant is classified as a variant of uncertain significance (VUS) until additional information becomes available.

NM_000518.5(HBB):c.70G>C (p.Val24Leu)

Genes: HBB (hemoglobin subunit beta; minus strand), LOC106099062 (HBB recombination region; plus strand), LOC107133510 (origin of replication at HBB; plus strand). Cytogenetic location: 11p15.4.
Variant type: single nucleotide variant.
Coding change: c.70G>C on transcript NM_000518.5 (MANE Select); coding-DNA position 70, G replaced by C.
Protein change: p.Val24Leu; replaces valine 24 with leucine.
Molecular consequence: missense variant.
Genome position (GRCh38, 1-based): chr11:5,226,952, C>G on the plus strand (G>C on the coding strand, the complement: HBB is on the minus strand). VCF-style: chr11-5226952-C-G. GRCh37 (hg19) VCF-style: chr11-5248182-C-G.
Other names: short protein forms V24L.
Identifiers: ClinVar variation 496002 (VCV000496002.1), dbSNP rs33929459, ClinGen allele CA379274808.
Genomic context (GRCh38, chr11:5,226,952, plus strand): 5'-TGGTCTCCTTAAACCTGTCTTGTAACCTTGATACCAACCTGCCCAGGGCCTCACCACCAA[C>G]TTCATCCACGTTCACCTTGCCCCACAGGGCAGTAACGGCAGACTTCTCCTCAGGAGTCAG-3'
Protein context (NP_000509.1, residues 14-34): ALWGKVNVDE[Val24Leu]GGEALGRLLV